The following is an entry in ClinVar:

NM_000488.4(SERPINC1):c.835T>C (p.Cys279Arg)

Gene: SERPINC1 (serpin family C member 1; minus strand). Cytogenetic location: 1q25.1.
Variant type: single nucleotide variant.
Coding change: c.835T>C on transcript NM_000488.4 (MANE Select); coding-DNA position 835, T replaced by C.
Protein change: p.Cys279Arg; replaces cysteine 279 with arginine.
Molecular consequence: missense variant.
Genome position (GRCh38, 1-based): chr1:173,909,870, A>G on the plus strand (T>C on the coding strand, the complement: SERPINC1 is on the minus strand). VCF-style: chr1-173909870-A-G. GRCh37 (hg19) VCF-style: chr1-173879008-A-G.
Other names: c.691T>C, p.Cys231Arg (NM_001365052.2); c.958T>C, p.Cys320Arg (NM_001386302.1); c.916T>C, p.Cys306Arg (NM_001386303.1); c.814T>C, p.Cys272Arg (NM_001386304.1); c.778T>C, p.Cys260Arg (NM_001386305.1); c.619T>C, p.Cys207Arg (NM_001386306.1); short protein forms C279R, C260R, C207R, C231R, C272R, C306R, C320R.
Identifiers: ClinVar variation 3720260 (VCV003720260.3).
Genomic context (GRCh38, chr1:173,909,870, plus strand): 5'-TGCCTTCAGCCACGCGCCGATAACGGAACTTGCCTTCCTGGTACATCATAGATGCTGAAC[A>G]CGACTCTCCATCAGCCTTGTAGAACAGTTCCTTCCTTGTGTTCTCAGGGCTGAACTTTGA-3'
Protein context (NP_000479.1, residues 269-289): ELFYKADGES[Cys279Arg]SASMMYQEGK

ClinVar aggregate classification (germline): Conflicting classifications of pathogenicity. Review status: criteria provided, conflicting classifications (1 of 4 stars). 2 submissions from 2 submitters: Likely pathogenic (1); Uncertain significance (1). Last evaluated 2025-07-22.

Conditions:
SERPINC1-related disorder. Also called: SERPINC1-related condition.
Hereditary antithrombin deficiency (AT3D). Also called: Reduced antithrombin III activity; Antithrombin III deficiency; Thrombophilia due to antithrombin III deficiency; Antithrombin deficiency. Identifiers: Orphanet 82, MedGen C0272375, MONDO:0013144, OMIM 613118, HP:0001976.

Submissions (2):

Labcorp Genetics (formerly Invitae), Labcorp
Classification: Uncertain significance for Hereditary antithrombin deficiency. Last evaluated: 2025-07-22. Review status: criteria provided, single submitter. Criteria: Invitae Variant Classification Sherloc (09022015). Collection method: clinical testing. Allele origin: germline.
Comment: This sequence change replaces cysteine, which is neutral and slightly polar, with arginine, which is basic and polar, at codon 279 of the SERPINC1 protein (p.Cys279Arg). This variant is not present in population databases (gnomAD no frequency). This missense change has been observed in individual(s) with antithrombin deficiency and/or pulmonary embolism (PMID: 28174134, 28300866). ClinVar contains an entry for this variant (Variation ID: 3720260). Invitae Evidence Modeling of protein sequence and biophysical properties (such as structural, functional, and spatial information, amino acid conservation, physicochemical variation, residue mobility, and thermodynamic stability) indicates that this missense variant is expected to disrupt SERPINC1 protein function with a positive predictive value of 95%. This variant disrupts the p.Cys279 amino acid residue in SERPINC1. Other variant(s) that disrupt this residue have been observed in individuals with SERPINC1-related conditions (PMID: 21264449), which suggests that this may be a clinically significant amino acid residue. In summary, the available evidence is currently insufficient to determine the role of this variant in disease. Therefore, it has been classified as a Variant of Uncertain Significance.

Blueprint Genetics
Classification: Likely pathogenic for SERPINC1-related disorders. Last evaluated: 2021-04-28. Review status: criteria provided, single submitter. Criteria: ACMG Guidelines, 2015. Collection method: clinical testing. Allele origin: germline. Affected: yes. Observed: 1 variant allele.

Literature cited by the submitters: PubMed 28174134 (cited by Labcorp Genetics (formerly Invitae), Labcorp); PubMed 28300866 (cited by Labcorp Genetics (formerly Invitae), Labcorp); PubMed 21264449 (cited by Labcorp Genetics (formerly Invitae), Labcorp).